The following is an entry in ClinVar:

ClinVar aggregate classification (germline): Uncertain significance (1 of 4 stars; one submission).

gnomAD v4.1: 2 of 1,614,206 alleles (0.00012%); highest among the groups gnomAD compares: Admixed American, 0.0033%; no homozygotes.

Submission:

Women's Health and Genetics/Laboratory Corporation of America, LabCorp
Classification: Uncertain significance. Last evaluated: 2025-07-15. Review status: criteria provided, single submitter. Criteria: LabCorp Variant Classification Summary - May 2015. Collection method: clinical testing. Allele origin: germline.
Comment: Variant summary: RBM12 c.1225C>G (p.Pro409Ala) results in a non-conservative amino acid change in the encoded protein sequence. Algorithms developed to predict the effect of missense changes on protein structure and function are either unavailable or do not agree on the potential impact of this missense change. The variant allele was found at a frequency of 8e-06 in 251476 control chromosomes. The available data on variant occurrences in the general population are insufficient to allow any conclusion about variant significance. To our knowledge, no occurrence of c.1225C>G in individuals affected with Schizophrenia 19 and no experimental evidence demonstrating its impact on protein function have been reported. No submitters have cited clinical-significance assessments for this variant to ClinVar. Based on the evidence outlined above, the variant was classified as uncertain significance.

NM_006047.6(RBM12):c.1225C>G (p.Pro409Ala)

Genes: RBM12 (RNA binding motif protein 12; minus strand), CPNE1 (copine 1; minus strand). Cytogenetic location: 20q11.22.
Variant type: single nucleotide variant.
Coding change: c.1225C>G on transcript NM_006047.6 (MANE Select); coding-DNA position 1225, C replaced by G.
Protein change: p.Pro409Ala; replaces proline 409 with alanine.
Molecular consequence: missense variant. On other transcripts: intron variant (5).
Genome position (GRCh38, 1-based): chr20:35,654,098, G>C on the plus strand (C>G on the coding strand, the complement: RBM12 is on the minus strand). VCF-style: chr20-35654098-G-C. GRCh37 (hg19) VCF-style: chr20-34242020-G-C.
Other names: c.1225C>G, p.Pro409Ala (NM_001198838.2, NM_001198840.2, NM_152838.4); c.-1+10704C>G (NM_001198863.2, NM_152926.3); c.-1+10662C>G (NM_152925.3); c.-1+4832C>G (NM_152928.3, NM_152927.3); short protein forms P409A.
Identifiers: ClinVar variation 4525880 (VCV004525880.1).
Genomic context (GRCh38, chr20:35,654,098, plus strand): 5'-CAGCCTCATGTGGTGATCTTGACCTTGATCTTTTCTGCCCACTGGGCGATTTTGACCTGG[G>C]AAGTGTCTGAGGAGGGGGATGAGTTTGTCCAGAAGGTCCCATATTTTGCTTAAAAGTGAT-3'
Protein context (NP_006038.2, residues 399-419): GQTHPPPQTL[Pro409Ala]RSKSPSGQKR